The following is an entry in ClinVar:

NM_020921.4(NIN):c.2740C>A (p.Gln914Lys)

Gene: NIN (ninein; minus strand). Cytogenetic location: 14q22.1.
Variant type: single nucleotide variant.
Coding change: c.2740C>A on transcript NM_020921.4 (MANE Select); coding-DNA position 2740, C replaced by A.
Protein change: p.Gln914Lys; replaces glutamine 914 with lysine.
Molecular consequence: missense variant. On other transcripts: intron variant (1).
Genome position (GRCh38, 1-based): chr14:50,758,290, G>T on the plus strand (C>A on the coding strand, the complement: NIN is on the minus strand). VCF-style: chr14-50758290-G-T. GRCh37 (hg19) VCF-style: chr14-51225008-G-T.
Other names: c.2740C>A, p.Gln914Lys (NM_182944.3, NM_182946.2); c.2399+1567C>A (NM_016350.5); short protein forms Q914K.
Identifiers: ClinVar variation 2893462 (VCV002893462.3), dbSNP rs778234680, ClinGen allele CA7181868.

ClinVar aggregate classification (germline): Uncertain significance (1 of 4 stars; one submission).

Allele frequency attached by ClinVar (database versions not stated): ExAC 0.00001; gnomAD exomes below 0.00001; TOPMed below 0.00001.
gnomAD v4.1: 2 of 1,614,226 alleles (0.00012%); highest among the groups gnomAD compares: Admixed American, 0.0033%; no homozygotes.

Submission:

Labcorp Genetics (formerly Invitae), Labcorp
Classification: Uncertain significance. Last evaluated: 2024-05-09. Review status: criteria provided, single submitter. Criteria: Invitae Variant Classification Sherloc (09022015). Collection method: clinical testing. Allele origin: germline.
Comment: This sequence change replaces glutamine, which is neutral and polar, with lysine, which is basic and polar, at codon 914 of the NIN protein (p.Gln914Lys). This variant is present in population databases (rs778234680, gnomAD 0.003%). This variant has not been reported in the literature in individuals affected with NIN-related conditions. An algorithm developed to predict the effect of missense changes on protein structure and function (PolyPhen-2) suggests that this variant is likely to be disruptive. In summary, the available evidence is currently insufficient to determine the role of this variant in disease. Therefore, it has been classified as a Variant of Uncertain Significance.